The following is an entry in ClinVar:

NM_000093.5(COL5A1):c.4015-30C>T

Gene: COL5A1 (collagen type V alpha 1 chain; plus strand). Cytogenetic location: 9q34.3.
Variant type: single nucleotide variant.
Coding change: c.4015-30C>T on transcript NM_000093.5 (MANE Select); 30 bases into the intron before coding-DNA position 4015, C replaced by T.
Molecular consequence: intron variant.
Genome position (GRCh38, 1-based): chr9:134,815,546, C>T. VCF-style: chr9-134815546-C-T. GRCh37 (hg19) VCF-style: chr9-137707392-C-T.
Other names: c.4015-30C>T (NM_001278074.1).
Identifiers: ClinVar variation 676387 (VCV000676387.1), dbSNP rs375387898, ClinGen allele CA5320095.
Genomic context (GRCh38, chr9:134,815,546, plus strand): 5'-GGCCATCTTGAGGTGGTGACATGATTGGCCGTGTGTGGTCTCAGTCAGGTTGCTGATGGC[C>T]TTGGCTGCTTCCTTCTTTCTTCCTTTCAGGGCCCAGTGGGTTTTCCTGGAGATCCTGGCC-3'

ClinVar aggregate classification (germline): Likely benign (1 of 4 stars; one submission).

Allele frequency attached by ClinVar (database versions not stated): 1000 Genomes Project 0.00200; 1000 Genomes Project 30x 0.00219; ESP Exome Variant Server 0.00400; gnomAD 0.00427; TOPMed 0.00441.
gnomAD v4.1: 1,139 of 1,609,704 alleles (0.071%); highest among the groups gnomAD compares: African/African-American, 1.4%; 12 homozygotes.

Submission:

GeneDx
Classification: Likely benign. Last evaluated: 2018-06-14. Review status: criteria provided, single submitter. Criteria: GeneDx Variant Classification (06012015). Collection method: clinical testing. Allele origin: germline. Affected: yes.
Comment: This variant is considered likely benign or benign based on one or more of the following criteria: it is a conservative change, it occurs at a poorly conserved position in the protein, it is predicted to be benign by multiple in silico algorithms, and/or has population frequency not consistent with disease.